The following is an entry in ClinVar:

ClinVar aggregate classification (germline): Uncertain significance (1 of 4 stars; one submission).

Allele frequency attached by ClinVar (database versions not stated): gnomAD exomes 0.00001.
gnomAD v4.1: 3 of 1,614,010 alleles (0.00019%); highest among the groups gnomAD compares: Middle Eastern, 0.016%; no homozygotes.

Submission:

Labcorp Genetics (formerly Invitae), Labcorp
Classification: Uncertain significance. Last evaluated: 2023-12-27. Review status: criteria provided, single submitter. Criteria: Invitae Variant Classification Sherloc (09022015). Collection method: clinical testing. Allele origin: germline.
Comment: This sequence change replaces leucine, which is neutral and non-polar, with phenylalanine, which is neutral and non-polar, at codon 556 of the COL2A1 protein (p.Leu556Phe). This variant is not present in population databases (gnomAD no frequency). This variant has not been reported in the literature in individuals affected with COL2A1-related conditions. Advanced modeling of protein sequence and biophysical properties (such as structural, functional, and spatial information, amino acid conservation, physicochemical variation, residue mobility, and thermodynamic stability) has been performed at Invitae for this missense variant, however the output from this modeling did not meet the statistical confidence thresholds required to predict the impact of this variant on COL2A1 protein function. In summary, the available evidence is currently insufficient to determine the role of this variant in disease. Therefore, it has been classified as a Variant of Uncertain Significance.

NM_001844.5(COL2A1):c.1666C>T (p.Leu556Phe)

Gene: COL2A1 (collagen type II alpha 1 chain; minus strand). Cytogenetic location: 12q13.11.
Variant type: single nucleotide variant.
Coding change: c.1666C>T on transcript NM_001844.5 (MANE Select); coding-DNA position 1666, C replaced by T.
Protein change: p.Leu556Phe; replaces leucine 556 with phenylalanine.
Molecular consequence: missense variant.
Genome position (GRCh38, 1-based): chr12:47,985,742, G>A on the plus strand (C>T on the coding strand, the complement: COL2A1 is on the minus strand). VCF-style: chr12-47985742-G-A. GRCh37 (hg19) VCF-style: chr12-48379525-G-A.
Other names: c.1459C>T, p.Leu487Phe (NM_033150.3); short protein forms L487F, L556F.
Identifiers: ClinVar variation 3012279 (VCV003012279.3), dbSNP rs2540146789, ClinGen allele CA384551383.
Genomic context (GRCh38, chr12:47,985,742, plus strand): 5'-GGCCTGAGGGTCTGAAGCCAAGGGCAACAGCAGCTCTGCTACTTACCCGGGCTCCAGGAA[G>A]GCCAGGTTCTCCAGGACGGCCAGGGTCACCGTTGGCTCCCTTGGGGCCAGCAAGACCACT-3'
Protein context (NP_001835.3, residues 546-566): GDPGRPGEPG[Leu556Phe]PGARGLTGRP